The following is an entry in ClinVar:

NM_001323289.2(CDKL5):c.395T>G (p.Val132Gly)

Gene: CDKL5 (cyclin dependent kinase like 5; plus strand). Cytogenetic location: Xp22.13.
Variant type: single nucleotide variant.
Coding change: c.395T>G on transcript NM_001323289.2 (MANE Select); coding-DNA position 395, T replaced by G.
Protein change: p.Val132Gly; replaces valine 132 with glycine.
Molecular consequence: missense variant.
Genome position (GRCh38, 1-based): chrX:18,579,960, T>G. VCF-style: chrX-18579960-T-G. GRCh37 (hg19) VCF-style: chrX-18598080-T-G.
Other names: NM_003159.3:c.395T>G; c.395T>G, p.Val132Gly (NM_001037343.2, NM_003159.3); short protein forms V132G.
Identifiers: ClinVar variation 3344017 (VCV003344017.1).
Genomic context (GRCh38, chrX:18,579,960, plus strand): 5'-TAAAAAGCTACATCTATCAGCTAATCAAGGCTATTCACTGGTGCCATAAGAATGATATTG[T>G]CCATCGAGGTGAGTATGAGATTTTTAAAATGGAAAATATTAAAACATCAAATAAAGTTAA-3'
Protein context (NP_001310218.1, residues 122-142): AIHWCHKNDI[Val132Gly]HRDIKPENLL

ClinVar aggregate classification (germline): Likely pathogenic (1 of 4 stars; one submission).

Conditions:
CDKL5 disorder. Identifiers: MedGen CN296942, MONDO:0100039.

Submission:

Centre for Population Genomics, CPG
Classification: Likely pathogenic for CDKL5 disorder. Last evaluated: 2024-07-23. Review status: criteria provided, single submitter. Criteria: McKnight et al. (Hum Mutat. 2022). Collection method: curation. Allele origin: germline. Inheritance: X-linked inheritance.
Comment: This variant has been collected from RettBASE and curated to current modified ACMG/AMP criteria. Based on the classification scheme defined by the ClinGen Rett/Angelman-like Expert Panel for Rett/AS-like Disorders Specifications to the ACMG/AMP Variant Interpretation Guidelines VCEP 3.0, this variant is classified as likely pathogenic. At least the following criteria are met: This variant is absent from gnomAD v4 (PM2_Supporting). Another missense variant in the same codon has been classified as pathogenic (PM5) Variation ID: 620059 Computational prediction analysis tools suggests a deleterious impact (REVEL score>= 0.75) (PP3). Has been observed in at least 2 individuals with phenotypes consistent with CDKL5 disorder (PS4_Supporting). PMID:25657822 , PMID:25657822